The following is an entry in ClinVar:

NM_000368.5(TSC1):c.1526G>A (p.Arg509Gln)

Gene: TSC1 (TSC complex subunit 1; minus strand). Cytogenetic location: 9q34.13.
Variant type: single nucleotide variant.
Coding change: c.1526G>A on transcript NM_000368.5 (MANE Select); coding-DNA position 1526, G replaced by A.
Protein change: p.Arg509Gln; replaces arginine 509 with glutamine.
Molecular consequence: missense variant.
Genome position (GRCh38, 1-based): chr9:132,906,052, C>T on the plus strand (G>A on the coding strand, the complement: TSC1 is on the minus strand). VCF-style: chr9-132906052-C-T. GRCh37 (hg19) VCF-style: chr9-135781439-C-T.
Other names: p.R509Q:CGA>CAA; c.1523G>A, p.Arg508Gln (NM_001162426.2); c.1373G>A, p.Arg458Gln (NM_001162427.2); c.1163G>A, p.Arg388Gln (NM_001362177.2); short protein forms R509Q, R508Q, R388Q, R458Q.
Identifiers: ClinVar variation 48797 (VCV000048797.45), dbSNP rs118203543, ClinGen allele CA004992.
Genomic context (GRCh38, chr9:132,906,052, plus strand): 5'-GCGCCCTGAGAACTGGAGGCTGCCGAGTGGGTCTTCCGCTGAGAACCTGGGAGACTGTCT[C>T]GGTAAAAGGGAGAGTCAAAGCCTCCTCGAGGAACCACAGGCTCTGCCTCTGCTGTGGTGA-3'
Protein context (NP_000359.1, residues 499-519): PRGGFDSPFY[Arg509Gln]DSLPGSQRKT

ClinVar aggregate classification (germline): Benign/Likely benign. Review status: criteria provided, multiple submitters, no conflicts (2 of 4 stars). 14 submissions from 14 submitters: Benign (7); Likely benign (5). 2 of the submissions do not count toward it. Last evaluated 2026-02-03.

Conditions:
Hereditary cancer-predisposing syndrome. Also called: Hereditary Cancer Syndrome; Tumor predisposition; Neoplastic Syndromes, Hereditary; Hereditary neoplastic syndrome. Identifiers: Orphanet 140162, MedGen C0027672, MeSH D009386, MONDO:0015356.
Lymphangiomyomatosis (LAM). Also called: Lymphangioleiomyomatosis; Lymphangioleiomyomatosis, somatic. Identifiers: Orphanet 538, MedGen C0751674, MONDO:0011705, OMIM 606690.
Isolated focal cortical dysplasia type II (FCORD2). Also called: CORTICAL DYSPLASIA OF TAYLOR; Focal cortical dysplasia type II. Identifiers: Orphanet 268994, MedGen C1846385, MONDO:0011818, OMIM 607341, HP:0032051.
Tuberous sclerosis 1 (TSC1). Identifiers: Orphanet 805, MedGen C1854465, MONDO:0008612, OMIM 191100.
Tuberous sclerosis syndrome (TSC). Also called: Tuberous Sclerosis Complex; Tuberous sclerosis. Identifiers: Orphanet 805, MedGen C0041341, MONDO:0001734.

Allele frequency attached by ClinVar (database versions not stated): gnomAD exomes 0.00006 and 0.00016; 1000 Genomes Project 30x 0.00016; ExAC 0.00019; 1000 Genomes Project 0.00020; TOPMed 0.00059; gnomAD 0.00064 and 0.00070; ESP Exome Variant Server 0.00085.
gnomAD v4.1: 183 of 1,614,038 alleles (0.011%); highest among the groups gnomAD compares: African/African-American, 0.2%; no homozygotes.

Submissions (14):

Labcorp Genetics (formerly Invitae), Labcorp
Classification: Benign for Tuberous sclerosis 1. Last evaluated: 2026-02-03. Review status: criteria provided, single submitter. Criteria: Invitae Variant Classification Sherloc (09022015). Collection method: clinical testing. Allele origin: germline.

Quest Diagnostics Nichols Institute San Juan Capistrano
Classification: Benign. Last evaluated: 2025-09-16. Review status: criteria provided, single submitter. Criteria: Quest Diagnostics criteria. Collection method: clinical testing. Allele origin: unknown.

CeGaT Center for Human Genetics Tuebingen
Classification: Likely benign. Last evaluated: 2024-11-01. Review status: criteria provided, single submitter. Criteria: CeGaT Center For Human Genetics Tuebingen Variant Classification Criteria Version 2. Collection method: clinical testing. Allele origin: germline. Affected: yes. Observed: 3 variant alleles.
Comment: TSC1: BP4, BS1

Blueprint Genetics
Classification: Likely benign. Last evaluated: 2024-09-12. Review status: criteria provided, single submitter. Criteria: ACMG Guidelines, 2015. Collection method: clinical testing. Allele origin: germline.

Myriad Genetics, Inc.
Classification: Likely benign for Tuberous sclerosis 1. Last evaluated: 2023-06-23. Review status: criteria provided, single submitter. Criteria: Myriad Autosomal Dominant, Autosomal Recessive and X-Linked Classification Criteria (2023). Collection method: clinical testing. Allele origin: unknown.
Comment: This variant is considered likely benign. Homozygosity has been confirmed in one or more individuals. As homozygosity for pathogenic variants in this gene is generally assumed to result in embryonic lethality, this variant is unlikely to be pathogenic.

Color Diagnostics, LLC DBA Color Health
Classification: Benign for Tuberous sclerosis syndrome. Last evaluated: 2022-08-31. Review status: criteria provided, single submitter. Criteria: ACMG Guidelines, 2015. Collection method: clinical testing. Allele origin: germline.

Genome-Nilou Lab
Classification: Benign for Tuberous sclerosis 1. Last evaluated: 2021-11-07. Review status: criteria provided, single submitter. Criteria: ACMG Guidelines, 2015. Collection method: clinical testing. Allele origin: germline. Affected: no.

Fulgent Genetics
Classification: Likely benign for Tuberous sclerosis 1; Lymphangiomyomatosis; Isolated focal cortical dysplasia type II. Last evaluated: 2021-07-12. Review status: criteria provided, single submitter. Criteria: ACMG Guidelines, 2015. Collection method: clinical testing. Allele origin: unknown.

Sema4
Classification: Benign for Hereditary cancer-predisposing syndrome. Last evaluated: 2020-12-31. Review status: criteria provided, single submitter. Criteria: Sema4 Curation Guidelines. Collection method: curation. Allele origin: germline.

Women's Health and Genetics/Laboratory Corporation of America, LabCorp
Classification: Benign. Last evaluated: 2019-02-08. Review status: criteria provided, single submitter. Criteria: LabCorp Variant Classification Summary - May 2015. Collection method: clinical testing. Allele origin: germline.
Comment: Variant summary: TSC1 c.1526G>A (p.Arg509Gln) results in a conservative amino acid change in the encoded protein sequence. Five of five in-silico tools predict a benign effect of the variant on protein function. The variant allele was found at a frequency of 0.0002 in 276324 control chromosomes, predominantly at a frequency of 0.002 within the African subpopulation in the gnomAD database. The observed variant frequency within African control individuals in the gnomAD database is approximately 80 fold of the estimated maximal expected allele frequency for a pathogenic variant in TSC1 causing Tuberous Sclerosis Complex phenotype (2.5e-05), strongly suggesting that the variant is a benign polymorphism found primarily in populations of African origin. Experimental evidence evaluating an impact on protein function demonstrated the variant to display similar values to the wild type and be active in immunoblotting assay and to not affect TSC1 function (Hoogeveen-Westerveld_2011, Nellist_2009). Three ClinVar submissions from clinical diagnostic laboratories (evaluation after 2014) cite the variant as benign (2x) and once as likely benign. Based on the evidence outlined above, the variant was classified as benign.

Ambry Genetics
Classification: Likely benign for Hereditary cancer-predisposing syndrome. Last evaluated: 2018-03-22. Review status: criteria provided, single submitter. Criteria: Ambry Variant Classification Scheme 2023. Collection method: clinical testing. Allele origin: germline.

GeneDx
Classification: Benign. Last evaluated: 2017-09-12. Review status: criteria provided, single submitter. Criteria: GeneDx Variant Classification (06012015). Collection method: clinical testing. Allele origin: germline. Affected: yes.
Comment: This variant is considered likely benign or benign based on one or more of the following criteria: it is a conservative change, it occurs at a poorly conserved position in the protein, it is predicted to be benign by multiple in silico algorithms, and/or has population frequency not consistent with disease.

ITMI
No classification provided. Condition: AllHighlyPenetrant. Last evaluated: 2013-09-19. Review status: no classification provided. Collection method: reference population. Allele origin: germline. Not counted in ClinVar's aggregate classification.
Comment: Please see associated publication for description of ethnicities

Tuberous sclerosis database (TSC1)
No classification provided. Condition: TSC. Review status: no classification provided. Criteria: Tuberous Sclerosis Database Assertion Criteria 2015. Collection method: curation. Allele origin: germline. Affected: no. Not counted in ClinVar's aggregate classification.

Literature cited by the submitters: PubMed 21309039 (cited by Women's Health and Genetics/Laboratory Corporation of America, LabCorp and Ambry Genetics); PubMed 18830229 (cited by Women's Health and Genetics/Laboratory Corporation of America, LabCorp and Ambry Genetics); PubMed 24728327 (cited by ITMI).